The following is an entry in ClinVar:

NM_003978.5(PSTPIP1):c.1237C>G (p.Leu413Val)

Gene: PSTPIP1 (proline-serine-threonine phosphatase interacting protein 1; plus strand). Cytogenetic location: 15q24.3.
Variant type: single nucleotide variant.
Coding change: c.1237C>G on transcript NM_003978.5 (MANE Select); coding-DNA position 1237, C replaced by G.
Protein change: p.Leu413Val; replaces leucine 413 with valine.
Molecular consequence: missense variant. On other transcripts: non-coding transcript variant (1).
Genome position (GRCh38, 1-based): chr15:77,037,162, C>G. VCF-style: chr15-77037162-C-G. GRCh37 (hg19) VCF-style: chr15-77329503-C-G.
Other names: c.1180C>G, p.Leu394Val (NM_001321135.2); c.1210C>G, p.Leu404Val (NM_001321136.2); c.1432C>G, p.Leu478Val (NM_001321137.1); c.1228C>G, p.Leu410Val (NM_001411086.1); short protein forms L410V, L478V, L404V, L394V, L413V.
Identifiers: ClinVar variation 2790214 (VCV002790214.3), dbSNP rs2542902859, ClinGen allele CA393522161.

ClinVar aggregate classification (germline): Uncertain significance (1 of 4 stars; one submission).

Conditions:
Pyogenic arthritis-pyoderma gangrenosum-acne syndrome (PAPA). Also called: PAPA SYNDROME; FAMILIAL RECURRENT ARTHRITIS. Identifiers: Orphanet 69126, MedGen C1858361, MONDO:0011462, OMIM 604416.

Submission:

Labcorp Genetics (formerly Invitae), Labcorp
Classification: Uncertain significance for Pyogenic arthritis-pyoderma gangrenosum-acne syndrome. Last evaluated: 2023-12-13. Review status: criteria provided, single submitter. Criteria: Invitae Variant Classification Sherloc (09022015). Collection method: clinical testing. Allele origin: germline.
Comment: This sequence change replaces leucine, which is neutral and non-polar, with valine, which is neutral and non-polar, at codon 413 of the PSTPIP1 protein (p.Leu413Val). This variant is not present in population databases (gnomAD no frequency). This variant has not been reported in the literature in individuals affected with PSTPIP1-related conditions. Advanced modeling of protein sequence and biophysical properties (such as structural, functional, and spatial information, amino acid conservation, physicochemical variation, residue mobility, and thermodynamic stability) performed at Invitae indicates that this missense variant is not expected to disrupt PSTPIP1 protein function with a negative predictive value of 80%. In summary, the available evidence is currently insufficient to determine the role of this variant in disease. Therefore, it has been classified as a Variant of Uncertain Significance.